The following is an entry in ClinVar:

NM_001277115.2(DNAH11):c.11662C>A (p.Arg3888Ser)

Gene: DNAH11 (dynein axonemal heavy chain 11; plus strand). Cytogenetic location: 7p15.3.
Variant type: single nucleotide variant.
Coding change: c.11662C>A on transcript NM_001277115.2 (MANE Select); coding-DNA position 11662, C replaced by A.
Protein change: p.Arg3888Ser; replaces arginine 3888 with serine.
Molecular consequence: missense variant.
Genome position (GRCh38, 1-based): chr7:21,866,635, C>A. VCF-style: chr7-21866635-C-A. GRCh37 (hg19) VCF-style: chr7-21906253-C-A.
Other names: short protein forms R3888S.
Identifiers: ClinVar variation 3385208 (VCV003385208.3).

ClinVar aggregate classification (germline): Uncertain significance. Review status: criteria provided, multiple submitters, no conflicts (2 of 4 stars). 2 submissions from 2 submitters: Uncertain significance (2). Last evaluated 2024-10-18.

Conditions:
Primary ciliary dyskinesia. Also called: Ciliary dyskinesia. Identifiers: Orphanet 244, MedGen C0008780, MONDO:0016575, HP:0012265.

gnomAD v4.1: 4 of 1,613,266 alleles (0.00025%); highest among the groups gnomAD compares: Non-Finnish European, 0.00034%; no homozygotes.

Submissions (2):

Women's Health and Genetics/Laboratory Corporation of America, LabCorp
Classification: Uncertain significance. Last evaluated: 2024-10-18. Review status: criteria provided, single submitter. Criteria: LabCorp Variant Classification Summary - May 2015. Collection method: clinical testing. Allele origin: germline.

Labcorp Genetics (formerly Invitae), Labcorp
Classification: Uncertain significance for Primary ciliary dyskinesia. Last evaluated: 2024-03-20. Review status: criteria provided, single submitter. Criteria: Invitae Variant Classification Sherloc (09022015). Collection method: clinical testing. Allele origin: germline.
Comment: This sequence change replaces arginine, which is basic and polar, with serine, which is neutral and polar, at codon 3888 of the DNAH11 protein (p.Arg3888Ser). This variant is not present in population databases (gnomAD no frequency). This missense change has been observed in individual(s) with clinical features of primary ciliary dyskinesia (Invitae). Advanced modeling of protein sequence and biophysical properties (such as structural, functional, and spatial information, amino acid conservation, physicochemical variation, residue mobility, and thermodynamic stability) performed at Invitae indicates that this missense variant is not expected to disrupt DNAH11 protein function with a negative predictive value of 80%. This variant disrupts the p.Arg3888 amino acid residue in DNAH11. Other variant(s) that disrupt this residue have been observed in individuals with DNAH11-related conditions (PMID: 22184204), which suggests that this may be a clinically significant amino acid residue. In summary, the available evidence is currently insufficient to determine the role of this variant in disease. Therefore, it has been classified as a Variant of Uncertain Significance.

Literature cited by the submitters: PubMed 22184204 (cited by Labcorp Genetics (formerly Invitae), Labcorp).